The following is an entry in ClinVar:

NM_025114.4(CEP290):c.6947A>G (p.Asp2316Gly)

Gene: CEP290 (centrosomal protein 290; minus strand). Cytogenetic location: 12q21.32.
Variant type: single nucleotide variant.
Coding change: c.6947A>G on transcript NM_025114.4 (MANE Select); coding-DNA position 6947, A replaced by G.
Protein change: p.Asp2316Gly; replaces aspartic acid 2316 with glycine.
Molecular consequence: missense variant.
Genome position (GRCh38, 1-based): chr12:88,055,589, T>C on the plus strand (A>G on the coding strand, the complement: CEP290 is on the minus strand). VCF-style: chr12-88055589-T-C. GRCh37 (hg19) VCF-style: chr12-88449366-T-C.
Other names: short protein forms D2316G.
Identifiers: ClinVar variation 4997995 (VCV004997995.1).

ClinVar aggregate classification (germline): Uncertain significance (1 of 4 stars; one submission).

Conditions:
CEP290-related disorder. Also called: CEP290-related condition; CEP290-related disorders. Identifiers: MedGen CN239314.

Submission:

PreventionGenetics, part of Exact Sciences
Classification: Uncertain significance for CEP290-related condition. Last evaluated: 2025-02-25. Review status: criteria provided, single submitter. Criteria: ACMG Guidelines, 2015. Collection method: clinical testing. Allele origin: germline.
Comment: The CEP290 c.6947A>G variant is predicted to result in the amino acid substitution p.Asp2316Gly. To our knowledge, this variant has not been reported in the literature or in a large population database (gnomAD), indicating this variant is rare. At this time, the clinical significance of this variant is uncertain due to the absence of conclusive functional and genetic evidence.